The following is an entry in ClinVar:

ClinVar aggregate classification (germline): Likely pathogenic (0 of 4 stars; one submission).

Conditions:
Chronic progressive multiple sclerosis. Identifiers: MedGen C0393665, MONDO:0005284.

Submission:

Demyelinating Disease Laboratories, VA Medical Center and University of Tennessee
Classification: Likely pathogenic. Review status: no assertion criteria provided. Collection method: not provided. Allele origin: somatic.
ClinVar note: Converted during submission from probable-pathogenic to Likely pathogenic.

NM_031157.4(HNRNPA1):c.1009A>G (p.Ser337Gly)

Gene: HNRNPA1 (heterogeneous nuclear ribonucleoprotein A1; plus strand). Cytogenetic location: 12q13.13.
Variant type: single nucleotide variant.
Coding change: c.1009A>G on transcript NM_031157.4 (MANE Select); coding-DNA position 1009, A replaced by G.
Protein change: p.Ser337Gly; replaces serine 337 with glycine.
Molecular consequence: missense variant. On other transcripts: non-coding transcript variant (1).
Genome position (GRCh38, 1-based): chr12:54,283,913, A>G. VCF-style: chr12-54283913-A-G. GRCh37 (hg19) VCF-style: chr12-54677697-A-G.
Other names: c.853A>G, p.Ser285Gly (NM_002136.4); short protein forms S337G, S285G.
Identifiers: ClinVar variation 135602 (VCV000135602.2), dbSNP rs483353033, ClinGen allele CA163065.
Genomic context (GRCh38, chr12:54,283,913, plus strand): 5'-AATTACAACAATCAGTCTTCAAATTTTGGACCCATGAAGGGAGGAAATTTTGGAGGCAGA[A>G]GCTCTGGCCCCTATGGCGGTGGAGGCCAATACTTTGCAAAACCACGAAACCAAGGTATGG-3'
Protein context (NP_112420.1, residues 327-347): PMKGGNFGGR[Ser337Gly]SGPYGGGGQY